The following is an entry in ClinVar:

ClinVar aggregate classification (germline): Likely pathogenic (1 of 4 stars; one submission).

Conditions:
GNPTAB-mucolipidosis. Also called: UDP-N-acetylglucosamine-1-phosphotransferase subunit alpha/beta deficiency. Identifiers: MedGen CN322573, MONDO:0100122.

Submission:

Myriad Genetics, Inc.
Classification: Likely pathogenic for GNPTAB-mucolipidosis. Last evaluated: 2021-11-18. Review status: criteria provided, single submitter. Criteria: Myriad Autosomal Dominant, Autosomal Recessive and X-Linked Classification Criteria (2023). Collection method: clinical testing. Allele origin: unknown.
Comment: NM_024312.4(GNPTAB):c.3301dupA(I1101Nfs*6) is expected to be pathogenic in the context of GNPTAB-related disorders. This variant is predicted to lead to an abnormal or absent protein product due to the creation of a premature termination codon in GNPTAB, a gene where loss-of-function variants are known to be pathogenic. Please note: this variant was assessed in the context of healthy population screening.

NM_024312.5(GNPTAB):c.3301dup (p.Ile1101fs)

Gene: GNPTAB (N-acetylglucosamine-1-phosphate transferase subunits alpha and beta; minus strand). Cytogenetic location: 12q23.2.
Variant type: Duplication.
Coding change: c.3301dup on transcript NM_024312.5 (MANE Select); coding-DNA position 3301, one base duplicated (A; older notation c.3301dupA).
Protein change: p.Ile1101fs; shifts the reading frame from isoleucine 1101.
Molecular consequence: frameshift variant.
Genome position (GRCh38, 1-based): chr12:101,757,606, T duplicated on the plus strand (A on the coding strand, the reverse complement: GNPTAB is on the minus strand); the first of 4 consecutive T bases (chr12:101,757,606-101,757,609); duplicating any one gives the same sequence. VCF-style (leftmost placement, unchanged base first): chr12-101757605-A-AT. GRCh37 (hg19) VCF-style: chr12-102151383-A-AT.
Other names: short protein forms I1101fs.
Identifiers: ClinVar variation 1724714 (VCV001724714.3), dbSNP rs1394425220, ClinGen allele CA607597936.